The following is an entry in ClinVar:

NM_000377.3(WAS):c.953C>T (p.Pro318Leu)

Gene: WAS (WASP actin nucleation promoting factor; plus strand). Cytogenetic location: Xp11.23.
Variant type: single nucleotide variant.
Coding change: c.953C>T on transcript NM_000377.3 (MANE Select); coding-DNA position 953, C replaced by T.
Protein change: p.Pro318Leu; replaces proline 318 with leucine.
Molecular consequence: missense variant.
Genome position (GRCh38, 1-based): chrX:48,688,681, C>T. VCF-style: chrX-48688681-C-T. GRCh37 (hg19) VCF-style: chrX-48547070-C-T.
Other names: short protein forms P318L.
Identifiers: ClinVar variation 3749944 (VCV003749944.3).

ClinVar aggregate classification (germline): Uncertain significance. Review status: criteria provided, multiple submitters, no conflicts (2 of 4 stars). 2 submissions from 2 submitters: Uncertain significance (2). Last evaluated 2026-08-31.

Conditions:
X-linked severe congenital neutropenia (SCNX). Identifiers: Orphanet 86788, MedGen C1845987, MONDO:0010294, OMIM 300299.
Thrombocytopenia 1. Also called: X-linked thrombocytopenia with normal platelets; THROMBOCYTOPENIA, X-LINKED, 1; X-Linked Thrombocytopenia (XLT). Identifiers: Orphanet 268322, Orphanet 852, MedGen C1839163, MONDO:0010743, OMIM 313900.
Wiskott-Aldrich syndrome (WAS). Also called: ALDRICH SYNDROME; IMMUNODEFICIENCY 2; WISKOTT-ALDRICH SYNDROME 1; Wiskott-aldrich syndrome, somatic. Identifiers: Orphanet 906, MedGen C0043194, MONDO:0010518, OMIM 301000.
Inborn genetic diseases. Identifiers: MedGen C0950123, MeSH D030342.

gnomAD v4.1: 7 of 1,200,126 alleles (0.00058%); highest among the groups gnomAD compares: Non-Finnish European, 0.00079%; no homozygotes.

Submissions (2):

Ambry Genetics
Classification: Uncertain significance for Inborn genetic diseases. Last evaluated: 2026-08-31. Review status: criteria provided, single submitter. Criteria: Ambry Variant Classification Scheme 2023. Collection method: clinical testing. Allele origin: germline.

Labcorp Genetics (formerly Invitae), Labcorp
Classification: Uncertain significance for Wiskott-Aldrich syndrome; X-linked severe congenital neutropenia; Thrombocytopenia 1. Last evaluated: 2025-10-01. Review status: criteria provided, single submitter. Criteria: Invitae Variant Classification Sherloc (09022015). Collection method: clinical testing. Allele origin: germline.
Comment: This sequence change replaces proline, which is neutral and non-polar, with leucine, which is neutral and non-polar, at codon 318 of the WAS protein (p.Pro318Leu). This variant is present in population databases (no rsID available, gnomAD 0.01%), including at least one homozygous and/or hemizygous individual. This variant has not been reported in the literature in individuals affected with WAS-related conditions. ClinVar contains an entry for this variant (Variation ID: 3749944). Invitae Evidence Modeling of protein sequence and biophysical properties (such as structural, functional, and spatial information, amino acid conservation, physicochemical variation, residue mobility, and thermodynamic stability) indicates that this missense variant is not expected to disrupt WAS protein function with a negative predictive value of 80%. In summary, the available evidence is currently insufficient to determine the role of this variant in disease. Therefore, it has been classified as a Variant of Uncertain Significance.